The following is an entry in ClinVar:

ClinVar aggregate classification (germline): Uncertain significance (1 of 4 stars; one submission).

Conditions:
Hereditary cancer-predisposing syndrome. Also called: Neoplastic Syndromes, Hereditary; Tumor predisposition; Hereditary Cancer Syndrome; Hereditary neoplastic syndrome. Identifiers: Orphanet 140162, MedGen C0027672, MeSH D009386, MONDO:0015356.

Submission:

Ambry Genetics
Classification: Uncertain significance for Hereditary cancer-predisposing syndrome. Last evaluated: 2024-06-19. Review status: criteria provided, single submitter. Criteria: Ambry Variant Classification Scheme 2023. Collection method: clinical testing. Allele origin: germline.
Comment: The p.M54T variant (also known as c.161T>C), located in coding exon 2 of the CDKN2A gene, results from a T to C substitution at nucleotide position 161. The methionine at codon 54 is replaced by threonine, an amino acid with similar properties. Of note, this alteration is also known as c.204T>C (p.D68D)in the p14(ARF) isoform. This amino acid position is well conserved in available vertebrate species. In addition, this alteration is predicted to be deleterious by in silico analysis. Based on the available evidence, the clinical significance of this variant remains unclear.

NM_000077.5(CDKN2A):c.161T>C (p.Met54Thr)

Gene: CDKN2A (cyclin dependent kinase inhibitor 2A; minus strand). Cytogenetic location: 9p21.3.
Variant type: single nucleotide variant.
Coding change: c.161T>C on transcript NM_000077.5; coding-DNA position 161, T replaced by C.
Protein change: p.Met54Thr; replaces methionine 54 with threonine.
Molecular consequence: missense variant (on NM_000077.6). On other transcripts: synonymous variant (1), 3 prime UTR variant (1).
Genome position (GRCh38, 1-based): chr9:21,971,198, A>G on the plus strand (T>C on the coding strand, the complement: CDKN2A is on the minus strand). VCF-style: chr9-21971198-A-G. GRCh37 (hg19) VCF-style: chr9-21971197-A-G.
Other names: c.161T>C, p.Met54Thr (NM_000077.6, NM_001195132.2); c.8T>C, p.Met3Thr (NM_001363763.2); c.204T>C, p.Asp68= (NM_058195.4); c.*84T>C (NM_058197.5); short protein forms M3T, M54T.
Identifiers: ClinVar variation 819689 (VCV000819689.5), dbSNP rs1587332544, ClinGen allele CA373086437.